The following is an entry in ClinVar:

ClinVar aggregate classification (germline): Uncertain significance (1 of 4 stars; one submission).

Conditions:
Malignant hyperthermia, susceptibility to, 1 (MHS1). Also called: RYR1-Related Malignant Hyperthermia Susceptibility; Malignant hyperthermia suceptibility 1; Anesthesia related hyperthermia; Malignant hyperpyrexia; Fulminating hyperpyrexia; Pharmacogenic myopathy. Identifiers: Orphanet 423, MedGen C2930980, MONDO:0007783, OMIM 145600.

Submission:

Leeds Institute of Medical Research, University of Leeds
Classification: Uncertain significance for Malignant hyperthermia, susceptibility to, 1. Review status: criteria provided, single submitter. Criteria: Johnston et al. (Hum Mol Genet. 2022). Collection method: research. Allele origin: germline. Affected: yes. Observed: 1 variant allele, 1 homozygote.
Comment: ACMG/AMP PM2 This single amino acid deletion variant was seen in an individual classified as MH susceptible from the n=100 MH susceptible group. It was not in the n=25 MH normal group, but was in the UK biobank (MAF 1.59E-04). PP3 CADD_PHRED score of 19.91. The variant was found in a singleton without a recognised pathogenic/diagnostic variant in known causative genes. There was no additional family data, and the variant and gene have not been reported before as the causative molecular basis of MH susceptibility. For these reasons the variant is classified as uncertain significance.

NM_005348.4(HSP90AA1):c.739_741del (p.Lys247del)

Gene: HSP90AA1 (heat shock protein 90 alpha family class A member 1; minus strand). Cytogenetic location: 14q32.31.
Variant type: Deletion.
Coding change: c.739_741del on transcript NM_005348.4 (MANE Select); coding-DNA positions 739 to 741, 3 bases deleted (AAA; older notation c.739_741delAAA).
Protein change: p.Lys247del; deletes lysine 247.
Molecular consequence: inframe deletion.
Genome position (GRCh38, 1-based): chr14:102,084,921-102,084,923, TTT deleted on the plus strand (AAA on the coding strand, the reverse complement: HSP90AA1 is on the minus strand); deleting any 3 consecutive bases within chr14:102,084,921-102,084,925 gives the same sequence; the c. name uses the placement nearest the transcript's 3' end. VCF-style (leftmost placement, unchanged base first): chr14-102084920-CTTT-C. GRCh37 (hg19) VCF-style: chr14-102551257-CTTT-C.
Other names: c.1105_1107del, p.Lys369del (NM_001017963.3); short protein forms K247del, K369del.
Identifiers: ClinVar variation 4082270 (VCV004082270.1).